The following is an entry in ClinVar:

NM_013444.4(UBQLN2):c.579C>T (p.Ser193=)

Genes: UBQLN2 (ubiquilin 2; plus strand), LOC130068339 (ATAC-STARR-seq lymphoblastoid active region 29687; plus strand). Cytogenetic location: Xp11.21.
Variant type: single nucleotide variant.
Coding change: c.579C>T on transcript NM_013444.4 (MANE Select); coding-DNA position 579, C replaced by T.
Protein change: p.Ser193=; no amino-acid change (serine 193 retained).
Molecular consequence: synonymous variant.
Genome position (GRCh38, 1-based): chrX:56,564,452, C>T. VCF-style: chrX-56564452-C-T. GRCh37 (hg19) VCF-style: chrX-56590885-C-T.
Identifiers: ClinVar variation 586918 (VCV000586918.8), dbSNP rs768910794, ClinGen allele CA10430079.

ClinVar aggregate classification (germline): Benign. Review status: criteria provided, multiple submitters, no conflicts (2 of 4 stars). 3 submissions from 3 submitters: Benign (2). 1 of the submissions does not count toward it. Last evaluated 2026-01-08.

Conditions:
UBQLN2-related disorder. Also called: UBQLN2-related condition.
Amyotrophic lateral sclerosis type 15. Also called: AMYOTROPHIC LATERAL SCLEROSIS 15 WITH FRONTOTEMPORAL DEMENTIA. Identifiers: Orphanet 803, MedGen C3275459, MONDO:0010459, OMIM 300857.

Allele frequency attached by ClinVar (database versions not stated): gnomAD exomes 0.00003 and 0.00019; gnomAD 0.00005 and 0.00006; TOPMed 0.00011; ExAC 0.00015.

Submissions (3):

Labcorp Genetics (formerly Invitae), Labcorp
Classification: Benign for Amyotrophic lateral sclerosis type 15. Last evaluated: 2026-01-08. Review status: criteria provided, single submitter. Criteria: Invitae Variant Classification Sherloc (09022015). Collection method: clinical testing. Allele origin: germline.

Athena Diagnostics
Classification: Benign. Last evaluated: 2018-02-28. Review status: criteria provided, single submitter. Criteria: Athena Diagnostics Criteria. Collection method: clinical testing. Allele origin: germline.

PreventionGenetics, part of Exact Sciences
Classification: Likely benign for UBQLN2-related condition. Last evaluated: 2024-07-23. Review status: no assertion criteria provided. Collection method: clinical testing. Allele origin: germline. Not counted in ClinVar's aggregate classification.
Comment: This variant is classified as likely benign based on ACMG/AMP sequence variant interpretation guidelines (Richards et al. 2015 PMID: 25741868, with internal and published modifications).